The following is an entry in ClinVar:

NM_001135629.3(PPP1R21):c.924G>A (p.Ala308=)

Gene: PPP1R21 (protein phosphatase 1 regulatory subunit 21; plus strand). Cytogenetic location: 2p16.3.
Variant type: single nucleotide variant.
Coding change: c.924G>A on transcript NM_001135629.3 (MANE Select); coding-DNA position 924, G replaced by A.
Protein change: p.Ala308=; no amino-acid change (alanine 308 retained).
Molecular consequence: synonymous variant. On other transcripts: non-coding transcript variant (1).
Genome position (GRCh38, 1-based): chr2:48,471,113, G>A. VCF-style: chr2-48471113-G-A. GRCh37 (hg19) VCF-style: chr2-48698252-G-A.
Other names: c.924G>A, p.Ala308= (NM_001193475.2, NM_152994.5).
Identifiers: ClinVar variation 3250719 (VCV003250719.18), dbSNP rs377724679.

ClinVar aggregate classification (germline): Likely benign (1 of 4 stars; one submission).

Allele frequency attached by ClinVar (database versions not stated): gnomAD exomes 0.00001; ExAC 0.00002; gnomAD 0.00003; ESP Exome Variant Server 0.00008.
gnomAD v4.1: 21 of 1,611,652 alleles (0.0013%); highest among the groups gnomAD compares: East Asian, 0.018%; no homozygotes.

Submission:

CeGaT Center for Human Genetics Tuebingen
Classification: Likely benign. Last evaluated: 2024-06-01. Review status: criteria provided, single submitter. Criteria: CeGaT Center For Human Genetics Tuebingen Variant Classification Criteria Version 2. Collection method: clinical testing. Allele origin: germline. Affected: yes. Observed: 1 variant allele.
Comment: PPP1R21: BP4, BP7